The following is an entry in ClinVar:

ClinVar aggregate classification (germline): Uncertain significance. Review status: criteria provided, multiple submitters, no conflicts (2 of 4 stars). 2 submissions from 2 submitters: Uncertain significance (2). Last evaluated 2025-01-24.

Conditions:
Hereditary cancer-predisposing syndrome. Also called: Hereditary neoplastic syndrome; Neoplastic Syndromes, Hereditary; Hereditary Cancer Syndrome; Tumor predisposition. Identifiers: Orphanet 140162, MedGen C0027672, MeSH D009386, MONDO:0015356.
Carney complex, type 1 (CNC1). Also called: CARNEY COMPLEX, TYPE I; CARNEY MYXOMA-ENDOCRINE COMPLEX. Identifiers: Orphanet 1359, MedGen C2607929, MONDO:0008057, OMIM 160980.

Allele frequency attached by ClinVar (database versions not stated): gnomAD exomes below 0.00001.
gnomAD v4.1: 1 of 1,614,078 alleles (0.000062%); highest among the groups gnomAD compares: South Asian, 0.0011%; no homozygotes.

Submissions (2):

Ambry Genetics
Classification: Uncertain significance for Hereditary cancer-predisposing syndrome. Last evaluated: 2025-01-24. Review status: criteria provided, single submitter. Criteria: Ambry Variant Classification Scheme 2023. Collection method: clinical testing. Allele origin: germline.
Comment: The p.P344L variant (also known as c.1031C>T), located in coding exon 10 of the PRKAR1A gene, results from a C to T substitution at nucleotide position 1031. The proline at codon 344 is replaced by leucine, an amino acid with similar properties. This amino acid position is conserved. In addition, the in silico prediction for this alteration is inconclusive. Based on the available evidence, the clinical significance of this variant remains unclear.

Labcorp Genetics (formerly Invitae), Labcorp
Classification: Uncertain significance for Carney complex, type 1. Last evaluated: 2019-08-23. Review status: criteria provided, single submitter. Criteria: Invitae Variant Classification Sherloc (09022015). Collection method: clinical testing. Allele origin: germline.
Comment: Algorithms developed to predict the effect of missense changes on protein structure and function (SIFT, PolyPhen-2, Align-GVGD) all suggest that this variant is likely to be tolerated, but these predictions have not been confirmed by published functional studies and their clinical significance is uncertain. In summary, the available evidence is currently insufficient to determine the role of this variant in disease. Therefore, it has been classified as a Variant of Uncertain Significance. This variant is not present in population databases (ExAC no frequency). This sequence change replaces proline with leucine at codon 344 of the PRKAR1A protein (p.Pro344Leu). The proline residue is moderately conserved and there is a moderate physicochemical difference between proline and leucine. This variant has not been reported in the literature in individuals with PRKAR1A-related disease.

NM_002734.5(PRKAR1A):c.1031C>T (p.Pro344Leu)

Gene: PRKAR1A (protein kinase cAMP-dependent type I regulatory subunit alpha; plus strand). Cytogenetic location: 17q24.2.
Variant type: single nucleotide variant.
Coding change: c.1031C>T on transcript NM_002734.5 (MANE Select); coding-DNA position 1031, C replaced by T.
Protein change: p.Pro344Leu; replaces proline 344 with leucine.
Molecular consequence: missense variant. On other transcripts: intron variant (1).
Genome position (GRCh38, 1-based): chr17:68,530,334, C>T. VCF-style: chr17-68530334-C-T. GRCh37 (hg19) VCF-style: chr17-66526475-C-T.
Other names: c.1031C>T (NM_002734.3); c.1031C>T, p.Pro344Leu (NM_001276289.2, NM_001278433.2, NM_001369389.1 and 3 more transcripts); c.973+333C>T (NM_001276290.1); short protein forms P344L.
Identifiers: ClinVar variation 659549 (VCV000659549.11), dbSNP rs1600496295, ClinGen allele CA400754593.